The following is an entry in ClinVar:

ClinVar aggregate classification (germline): Uncertain significance (1 of 4 stars; one submission).

Conditions:
Hereditary cancer-predisposing syndrome. Also called: Neoplastic Syndromes, Hereditary; Tumor predisposition; Hereditary Cancer Syndrome; Hereditary neoplastic syndrome. Identifiers: Orphanet 140162, MedGen C0027672, MeSH D009386, MONDO:0015356.

gnomAD v4.1: 2 of 1,612,842 alleles (0.00012%); highest among the groups gnomAD compares: Non-Finnish European, 0.00017%; no homozygotes.

Submission:

Ambry Genetics
Classification: Uncertain significance for Hereditary cancer-predisposing syndrome. Last evaluated: 2024-10-11. Review status: criteria provided, single submitter. Criteria: Ambry Variant Classification Scheme 2023. Collection method: clinical testing. Allele origin: germline.
Comment: The p.D403G variant (also known as c.1208A>G), located in coding exon 10 of the POT1 gene, results from an A to G substitution at nucleotide position 1208. The aspartic acid at codon 403 is replaced by glycine, an amino acid with similar properties. This amino acid position is conserved. In addition, this alteration is predicted to be tolerated by in silico analysis. Based on the available evidence, the clinical significance of this variant remains unclear.

NM_015450.3(POT1):c.1208A>G (p.Asp403Gly)

Gene: POT1 (protection of telomeres 1; minus strand). Cytogenetic location: 7q31.33.
Variant type: single nucleotide variant.
Coding change: c.1208A>G on transcript NM_015450.3 (MANE Select); coding-DNA position 1208, A replaced by G.
Protein change: p.Asp403Gly; replaces aspartic acid 403 with glycine.
Molecular consequence: missense variant. On other transcripts: non-coding transcript variant (3).
Genome position (GRCh38, 1-based): chr7:124,841,134, T>C on the plus strand (A>G on the coding strand, the complement: POT1 is on the minus strand). VCF-style: chr7-124841134-T-C. GRCh37 (hg19) VCF-style: chr7-124481188-T-C.
Other names: c.815A>G, p.Asp272Gly (NM_001042594.2); short protein forms D272G, D403G.
Identifiers: ClinVar variation 3423090 (VCV003423090.1).